The following is an entry in ClinVar:

ClinVar aggregate classification (germline): Likely benign. Review status: criteria provided, multiple submitters, no conflicts (2 of 4 stars). 6 submissions from 6 submitters: Likely benign (5). 1 of the submissions does not count toward it. Last evaluated 2025-12-23.

Conditions:
Colorectal cancer, susceptibility to, 12 (CRCS12). Also called: COLORECTAL CANCER, SUSCEPTIBILITY TO, ON CHROMOSOME 12q24. Identifiers: Orphanet 220460, MedGen C3554460, MONDO:0014038, OMIM 615083.
Hereditary cancer-predisposing syndrome. Also called: Neoplastic Syndromes, Hereditary; Tumor predisposition; Hereditary Cancer Syndrome; Hereditary neoplastic syndrome. Identifiers: Orphanet 140162, MedGen C0027672, MeSH D009386, MONDO:0015356.
POLE-related disorder. Also called: POLE-related disorders; POLE-related condition.

Allele frequency attached by ClinVar (database versions not stated): gnomAD 0.00001; TOPMed 0.00001; ExAC 0.00002; gnomAD exomes 0.00002; 1000 Genomes Project 30x 0.00016; 1000 Genomes Project 0.00020.
gnomAD v4.1: 27 of 1,611,968 alleles (0.0017%); highest among the groups gnomAD compares: Middle Eastern, 0.05%; no homozygotes.

Submissions (6):

Labcorp Genetics (formerly Invitae), Labcorp
Classification: Likely benign. Last evaluated: 2025-12-23. Review status: criteria provided, single submitter. Criteria: Invitae Variant Classification Sherloc (09022015). Collection method: clinical testing. Allele origin: germline.

Center for Genomic Medicine, Rigshospitalet, Copenhagen University Hospital
Classification: Likely benign. Last evaluated: 2025-03-04. Review status: criteria provided, single submitter. Criteria: ACMG Guidelines, 2015. Collection method: clinical testing. Allele origin: germline.

KCCC/NGS Laboratory, Kuwait Cancer Control Center
Classification: Likely benign for Colorectal cancer, susceptibility to, 12. Last evaluated: 2023-07-07. Review status: criteria provided, single submitter. Criteria: ACMG Guidelines, 2015. Collection method: clinical testing. Allele origin: germline. Affected: yes.

Ambry Genetics
Classification: Likely benign for Hereditary cancer-predisposing syndrome. Last evaluated: 2015-08-16. Review status: criteria provided, single submitter. Criteria: Ambry Variant Classification Scheme 2023. Collection method: clinical testing. Allele origin: germline.

Breakthrough Genomics
Classification: Likely benign. Review status: criteria provided, single submitter. Criteria: ACMG Guidelines, 2015. Collection method: not provided. Allele origin: germline. Inheritance: Autosomal recessive inheritance. Affected: yes.

PreventionGenetics, part of Exact Sciences
Classification: Likely benign for POLE-related condition. Last evaluated: 2023-06-22. Review status: no assertion criteria provided. Collection method: clinical testing. Allele origin: germline. Not counted in ClinVar's aggregate classification.
Comment: This variant is classified as likely benign based on ACMG/AMP sequence variant interpretation guidelines (Richards et al. 2015 PMID: 25741868, with internal and published modifications).

NM_006231.4(POLE):c.2343G>A (p.Ala781=)

Gene: POLE (DNA polymerase epsilon, catalytic subunit; minus strand). Cytogenetic location: 12q24.33.
Variant type: single nucleotide variant.
Coding change: c.2343G>A on transcript NM_006231.4 (MANE Select); coding-DNA position 2343, G replaced by A.
Protein change: p.Ala781=; no amino-acid change (alanine 781 retained).
Molecular consequence: synonymous variant.
Genome position (GRCh38, 1-based): chr12:132,665,427, C>T on the plus strand (G>A on the coding strand, the complement: POLE is on the minus strand). VCF-style: chr12-132665427-C-T. GRCh37 (hg19) VCF-style: chr12-133242013-C-T.
Identifiers: ClinVar variation 484470 (VCV000484470.25), dbSNP rs199751241, ClinGen allele CA6893581.